The following is an entry in ClinVar:

ClinVar aggregate classification (germline): Uncertain significance (1 of 4 stars; one submission).

Submission:

Labcorp Genetics (formerly Invitae), Labcorp
Classification: Uncertain significance. Last evaluated: 2022-05-27. Review status: criteria provided, single submitter. Criteria: Invitae Variant Classification Sherloc (09022015). Collection method: clinical testing. Allele origin: germline.
Comment: This sequence change replaces alanine, which is neutral and non-polar, with valine, which is neutral and non-polar, at codon 131 of the SERPINF1 protein (p.Ala131Val). This variant is present in population databases (no rsID available, gnomAD 0.003%). This variant has not been reported in the literature in individuals affected with SERPINF1-related conditions. Algorithms developed to predict the effect of missense changes on protein structure and function output the following: SIFT: "Not Available"; PolyPhen-2: "Benign"; Align-GVGD: "Not Available". The valine amino acid residue is found in multiple mammalian species, which suggests that this missense change does not adversely affect protein function. In summary, the available evidence is currently insufficient to determine the role of this variant in disease. Therefore, it has been classified as a Variant of Uncertain Significance.

NM_002615.7(SERPINF1):c.392C>T (p.Ala131Val)

Gene: SERPINF1 (serpin family F member 1; plus strand). Cytogenetic location: 17p13.3.
Variant type: single nucleotide variant.
Coding change: c.392C>T on transcript NM_002615.7 (MANE Select); coding-DNA position 392, C replaced by T.
Protein change: p.Ala131Val; replaces alanine 131 with valine.
Molecular consequence: missense variant. On other transcripts: 5 prime UTR variant (1).
Genome position (GRCh38, 1-based): chr17:1,771,137, C>T. VCF-style: chr17-1771137-C-T. GRCh37 (hg19) VCF-style: chr17-1674431-C-T.
Other names: c.392C>T, p.Ala131Val (NM_001329903.2); c.-170C>T (NM_001329904.2); short protein forms A131V.
Identifiers: ClinVar variation 2056102 (VCV002056102.4), dbSNP rs148005190, ClinGen allele CA397584649.